The following is an entry in ClinVar:

NM_007194.4(CHEK2):c.684-8C>T

Gene: CHEK2 (checkpoint kinase 2; minus strand). Cytogenetic location: 22q12.1.
Variant type: single nucleotide variant.
Coding change: c.684-8C>T on transcript NM_007194.4 (MANE Select); 8 bases into the intron before coding-DNA position 684, C replaced by T.
Molecular consequence: intron variant.
Genome position (GRCh38, 1-based): chr22:28,712,025, G>A on the plus strand (C>T on the coding strand, the complement: CHEK2 is on the minus strand). VCF-style: chr22-28712025-G-A. GRCh37 (hg19) VCF-style: chr22-29108013-G-A.
Other names: c.21-8C>T (NM_001437942.1, NM_001257387.3); c.483-8C>T (NM_001349956.3); c.684-8C>T (NM_145862.3); c.777-8C>T (NM_001438295.1, NM_001438293.1); c.813-8C>T (NM_001438294.1, NM_001005735.3).
Identifiers: ClinVar variation 460850 (VCV000460850.19), dbSNP rs1555921406, ClinGen allele CA658656816.

ClinVar aggregate classification (germline): Conflicting classifications of pathogenicity. Review status: criteria provided, conflicting classifications (1 of 4 stars). 6 submissions from 6 submitters: Uncertain significance (2); Likely benign (4). Last evaluated 2025-12-24.

Conditions:
Hereditary cancer-predisposing syndrome. Also called: Neoplastic Syndromes, Hereditary; Hereditary Cancer Syndrome; Hereditary neoplastic syndrome; Tumor predisposition. Identifiers: Orphanet 140162, MedGen C0027672, MeSH D009386, MONDO:0015356.
Familial cancer of breast. Also called: BREAST CANCER, FAMILIAL; Hereditary breast cancer; hereditary breast carcinoma. Identifiers: Orphanet 227535, MedGen C0346153, MONDO:0016419, OMIM 114480. Disease mechanism: loss of function.

Submissions (6):

Labcorp Genetics (formerly Invitae), Labcorp
Classification: Likely benign for Familial cancer of breast. Last evaluated: 2025-12-24. Review status: criteria provided, single submitter. Criteria: Invitae Variant Classification Sherloc (09022015). Collection method: clinical testing. Allele origin: germline.

Women's Health and Genetics/Laboratory Corporation of America, LabCorp
Classification: Likely benign. Last evaluated: 2025-04-23. Review status: criteria provided, single submitter. Criteria: LabCorp Variant Classification Summary - May 2015. Collection method: clinical testing. Allele origin: germline.
Comment: Variant summary: CHEK2 c.684-8C>T alters a non-conserved nucleotide located at a position not widely known to affect splicing. Consensus agreement among computation tools predict no significant impact on normal splicing. However, these predictions have yet to be confirmed by functional studies. The variant was absent in 251240 control chromosomes. The available data on variant occurrences in the general population are insufficient to allow any conclusion about variant significance. To our knowledge, no occurrence of c.684-8C>T in individuals affected with Hereditary Breast And Ovarian Cancer Syndrome and no experimental evidence demonstrating its impact on protein function have been reported. ClinVar contains an entry for this variant (Variation ID: 460850). Based on the evidence outlined above, the variant was classified as likely benign.

Myriad Genetics, Inc.
Classification: Likely benign for Familial cancer of breast. Last evaluated: 2024-10-03. Review status: criteria provided, single submitter. Criteria: Myriad Autosomal Dominant, Autosomal Recessive and X-Linked Classification Criteria (2023). Collection method: clinical testing. Allele origin: unknown.
Comment: This variant is considered likely benign. This variant is intronic and is not expected to impact mRNA splicing.

Quest Diagnostics Nichols Institute San Juan Capistrano
Classification: Uncertain significance. Last evaluated: 2024-07-12. Review status: criteria provided, single submitter. Criteria: Quest Diagnostics criteria. Collection method: clinical testing. Allele origin: unknown.
Comment: The CHEK2 c.684-8C>T variant has not been reported in individuals with CHEK2-related conditions in the published literature. It also has not been reported in large, multi-ethnic general populations (Genome Aggregation Database). Analysis of this variant using software algorithms for the prediction of the effect of nucleotide changes on splicing yielded predictions that this variant does not affect CHEK2 mRNA splicing. Based on the available information, we are unable to determine the clinical significance of this variant.

Sema4
Classification: Uncertain significance for Hereditary cancer-predisposing syndrome. Last evaluated: 2021-11-16. Review status: criteria provided, single submitter. Criteria: Sema4 Curation Guidelines. Collection method: curation. Allele origin: germline.
Comment: The CHEK2 c.684-8C>T variant has not been reported in the literature to our knowledge. It was not observed in the large and broad cohorts of the Genome Aggregation Database, but has been reported in ClinVar (Variation ID 460850). In silico tools suggest the variant may not disrupt normal splicing, though these predictions have not been confirmed by functional studies. The evidence is insufficient to meet ACMG/AMP criteria for classifying the variant as benign or pathogenic. Thus, the clinical significance of this variant is currently uncertain.

Color Diagnostics, LLC DBA Color Health
Classification: Likely benign for Hereditary cancer-predisposing syndrome. Last evaluated: 2020-02-26. Review status: criteria provided, single submitter. Criteria: ACMG Guidelines, 2015. Collection method: clinical testing. Allele origin: germline.